The following is an entry in ClinVar:

ClinVar aggregate classification (germline): Pathogenic (1 of 4 stars; one submission).

Conditions:
Primary ciliary dyskinesia 3. Identifiers: Orphanet 244, MedGen C1837618, MONDO:0012085, OMIM 608644.

Submission:

Myriad Genetics, Inc.
Classification: Pathogenic for Primary ciliary dyskinesia 3. Last evaluated: 2024-02-18. Review status: criteria provided, single submitter. Criteria: Myriad Autosomal Dominant, Autosomal Recessive and X-Linked Classification Criteria (2023). Collection method: clinical testing. Allele origin: unknown.
Comment: NM_001369.2(DNAH5):c.10623delT(L3542Cfs*2) is expected to be pathogenic in the context of primary ciliary dyskinesia, DNAH5-related. This variant is predicted to lead to an abnormal or absent protein product due to the creation of a premature termination codon in DNAH5, a gene where loss-of-function variants are known to be pathogenic. Please note: this variant was assessed in the context of healthy population screening.

NM_001369.3(DNAH5):c.10623del (p.Leu3542fs)

Gene: DNAH5 (dynein axonemal heavy chain 5; minus strand). Cytogenetic location: 5p15.2.
Variant type: Deletion.
Coding change: c.10623del on transcript NM_001369.3 (MANE Select); coding-DNA position 10623, one base deleted (T; older notation c.10623delT).
Protein change: p.Leu3542fs; shifts the reading frame from leucine 3542.
Molecular consequence: frameshift variant.
Genome position (GRCh38, 1-based): chr5:13,753,482, A deleted on the plus strand (T on the coding strand, the reverse complement: DNAH5 is on the minus strand); the first of 2 consecutive A bases (chr5:13,753,482-13,753,483); deleting either gives the same sequence. VCF-style (leftmost placement, unchanged base first): chr5-13753481-GA-G. GRCh37 (hg19) VCF-style: chr5-13753590-GA-G.
Other names: short protein forms L3542fs.
Identifiers: ClinVar variation 5012750 (VCV005012750.1).
Genomic context (GRCh38, chr5:13,753,481, plus strand): 5'-TTAGGTTCTTTCCAAATGGAATTTTCCGGGCTTTCATTTCCTTCCGCCAGTCATTTAACA[GA>G]AGATCACGAAACTCTTGGTTAAATGGACCAGAATAAGATAGAAAAGCTGTAGCCAACAGT-3'